The following is an entry in ClinVar:

ClinVar aggregate classification (germline): Benign/Likely benign. Review status: criteria provided, multiple submitters, no conflicts (2 of 4 stars). 2 submissions from 2 submitters: Benign (1); Likely benign (1). Last evaluated 2025-01-07.

Conditions:
Lynch syndrome 5 (LYNCH5). Also called: Hereditary non-polyposis colorectal cancer, type 5; Colorectal cancer, hereditary nonpolyposis, type 5. Identifiers: Orphanet 144, MedGen C1833477, MONDO:0013710, OMIM 614350. Disease mechanism: loss of function.
Hereditary nonpolyposis colorectal neoplasms. Identifiers: MedGen C0009405, MeSH D003123.

Submissions (2):

Myriad Genetics, Inc.
Classification: Benign for Lynch syndrome 5. Last evaluated: 2025-01-07. Review status: criteria provided, single submitter. Criteria: Myriad Autosomal Dominant, Autosomal Recessive and X-Linked Classification Criteria (2023). Collection method: clinical testing. Allele origin: unknown.
Comment: This variant is considered benign. This variant is a silent/synonymous amino acid change and it is not expected to impact splicing.

Labcorp Genetics (formerly Invitae), Labcorp
Classification: Likely benign for Hereditary nonpolyposis colorectal neoplasms. Last evaluated: 2022-11-16. Review status: criteria provided, single submitter. Criteria: Invitae Variant Classification Sherloc (09022015). Collection method: clinical testing. Allele origin: germline.

NM_000179.3(MSH6):c.3564T>C (p.Ser1188=)

Gene: MSH6 (mutS homolog 6; plus strand). Cytogenetic location: 2p16.3.
Variant type: single nucleotide variant.
Coding change: c.3564T>C on transcript NM_000179.3 (MANE Select); coding-DNA position 3564, T replaced by C.
Protein change: p.Ser1188=; no amino-acid change (serine 1188 retained).
Molecular consequence: synonymous variant.
Genome position (GRCh38, 1-based): chr2:47,805,625, T>C. VCF-style: chr2-47805625-T-C. GRCh37 (hg19) VCF-style: chr2-48032764-T-C.
Other names: c.3174T>C, p.Ser1058= (NM_001281492.2); c.2658T>C, p.Ser886= (NM_001281493.2, NM_001281494.2).
Identifiers: ClinVar variation 1529616 (VCV001529616.9), dbSNP rs1669957613, ClinGen allele CA425997262.